The following is an entry in ClinVar:

NM_175876.5(EXOC8):c.440C>T (p.Ser147Phe)

Gene: EXOC8 (exocyst complex component 8; minus strand). Cytogenetic location: 1q42.2.
Variant type: single nucleotide variant.
Coding change: c.440C>T on transcript NM_175876.5 (MANE Select); coding-DNA position 440, C replaced by T.
Protein change: p.Ser147Phe; replaces serine 147 with phenylalanine.
Molecular consequence: missense variant.
Genome position (GRCh38, 1-based): chr1:231,337,306, G>A on the plus strand (C>T on the coding strand, the complement: EXOC8 is on the minus strand). VCF-style: chr1-231337306-G-A. GRCh37 (hg19) VCF-style: chr1-231473052-G-A.
Other names: short protein forms S147F.
Identifiers: ClinVar variation 5008739 (VCV005008739.1).

ClinVar aggregate classification (germline): Uncertain significance (1 of 4 stars; one submission).

gnomAD v4.1: 3 of 1,603,724 alleles (0.00019%); highest among the groups gnomAD compares: Admixed American, 0.0017%; no homozygotes.

Submission:

GeneDx
Classification: Uncertain significance. Last evaluated: 2026-03-06. Review status: criteria provided, single submitter. Criteria: GeneDx Variant Classification Process June 2021. Collection method: clinical testing. Allele origin: germline.
Comment: Not observed at significant frequency in large population cohorts (gnomAD); In silico analysis suggests that this missense variant does not alter protein structure/function; Has not been previously published as pathogenic or benign to our knowledge